The following is an entry in ClinVar:

NM_002907.4(RECQL):c.257T>A (p.Val86Asp)

Gene: RECQL (RecQ like helicase; minus strand). Cytogenetic location: 12p12.1.
Variant type: single nucleotide variant.
Coding change: c.257T>A on transcript NM_002907.4 (MANE Select); coding-DNA position 257, T replaced by A.
Protein change: p.Val86Asp; replaces valine 86 with aspartic acid.
Molecular consequence: missense variant.
Genome position (GRCh38, 1-based): chr12:21,490,336, A>T on the plus strand (T>A on the coding strand, the complement: RECQL is on the minus strand). VCF-style: chr12-21490336-A-T. GRCh37 (hg19) VCF-style: chr12-21643270-A-T.
Other names: c.257T>A, p.Val86Asp (NM_032941.3); short protein forms V86D.
Identifiers: ClinVar variation 2092530 (VCV002092530.4), dbSNP rs1336552652, ClinGen allele CA384133339.

ClinVar aggregate classification (germline): Uncertain significance (1 of 4 stars; one submission).

Submission:

Labcorp Genetics (formerly Invitae), Labcorp
Classification: Uncertain significance. Last evaluated: 2022-02-03. Review status: criteria provided, single submitter. Criteria: Invitae Variant Classification Sherloc (09022015). Collection method: clinical testing. Allele origin: germline.
Comment: This variant has not been reported in the literature in individuals affected with RECQL-related conditions. In summary, the available evidence is currently insufficient to determine the role of this variant in disease. Therefore, it has been classified as a Variant of Uncertain Significance. Algorithms developed to predict the effect of missense changes on protein structure and function (SIFT, PolyPhen-2, Align-GVGD) all suggest that this variant is likely to be tolerated. This variant is not present in population databases (gnomAD no frequency). This sequence change replaces valine, which is neutral and non-polar, with aspartic acid, which is acidic and polar, at codon 86 of the RECQL protein (p.Val86Asp).